The following is an entry in ClinVar:

ClinVar aggregate classification (germline): Benign. Review status: criteria provided, multiple submitters, no conflicts (2 of 4 stars). 7 submissions from 6 submitters: Benign (6). 1 of the submissions does not count toward it. Last evaluated 2026-02-03.

Conditions:
Mitochondrial complex I deficiency, nuclear type 1. Also called: NADH-COENZYME Q REDUCTASE DEFICIENCY; MITOCHONDRIAL NADH DEHYDROGENASE COMPONENT OF COMPLEX I, DEFICIENCY OF. Identifiers: MedGen C6022305, MONDO:0100224, OMIM 252010.
Leigh syndrome (NULS). Also called: Leigh's syndrome; Leigh Disease; Subacute necrotizing encephalopathy; Necrotizing encephalopathy infantile subacute of Leigh; LEIGH SYNDROME, NUCLEAR; Leigh's necrotizing encephalopathy. Identifiers: Orphanet 506, MedGen C2931891, MONDO:0009723, OMIM 256000.

Allele frequency attached by ClinVar (database versions not stated): ESP Exome Variant Server 0.08367; 1000 Genomes Project 30x 0.09744; 1000 Genomes Project 0.10004; TOPMed 0.11334; gnomAD 0.11689 and 0.11777; gnomAD exomes 0.14297 and 0.15339; ExAC 0.17243.
gnomAD v4.1: 224,926 of 1,505,430 alleles (15%); highest among the groups gnomAD compares: South Asian, 16%; 17,829 homozygotes.

Submissions (7):

Labcorp Genetics (formerly Invitae), Labcorp
Classification: Benign. Last evaluated: 2026-02-03. Review status: criteria provided, single submitter. Criteria: Invitae Variant Classification Sherloc (09022015). Collection method: clinical testing. Allele origin: germline.

Illumina Laboratory Services, Illumina
Classification: Benign for Leigh syndrome. Last evaluated: 2018-01-13. Review status: criteria provided, single submitter. Criteria: ICSL Variant Classification Criteria 13 December 2019. Collection method: clinical testing. Allele origin: germline.
Comment: This variant was observed in the ICSL laboratory as part of a predisposition screen in an ostensibly healthy population. It had not been previously curated by ICSL or reported in the Human Gene Mutation Database (HGMD: prior to June 1st, 2018), and was therefore a candidate for classification through an automated scoring system. Utilizing variant allele frequency, disease prevalence and penetrance estimates, and inheritance mode, an automated score was calculated to assess if this variant is too frequent to cause the disease. Based on the score and internal cut-off values, a variant classified as benign is not then subjected to further curation. The score for this variant resulted in a classification of benign for this disease.

Illumina Laboratory Services, Illumina
Classification: Benign for Mitochondrial complex I deficiency, nuclear type 1. Last evaluated: 2018-01-13. Review status: criteria provided, single submitter. Criteria: ICSL Variant Classification Criteria 13 December 2019. Collection method: clinical testing. Allele origin: germline.
Comment: the same text as in the submission from Illumina Laboratory Services, Illumina above.

Eurofins Ntd Llc (ga)
Classification: Benign. Last evaluated: 2016-08-18. Review status: criteria provided, single submitter. Criteria: EGL Classification Definitions 2015. Collection method: clinical testing. Allele origin: germline. Observed: 1 variant allele, 1 heterozygote.

GeneDx
Classification: Benign. Last evaluated: 2015-03-03. Review status: criteria provided, single submitter. Criteria: GeneDx Variant Classification Process June 2021. Collection method: clinical testing. Allele origin: germline. Affected: yes.

Breakthrough Genomics
Classification: Benign. Review status: criteria provided, single submitter. Criteria: ACMG Guidelines, 2015. Collection method: not provided. Allele origin: germline. Inheritance: Autosomal recessive inheritance. Affected: yes.

Mayo Clinic Laboratories, Mayo Clinic
Classification: Benign. Last evaluated: 2016-02-19. Review status: no assertion criteria provided. Collection method: clinical testing. Allele origin: unknown. Not counted in ClinVar's aggregate classification.

NM_004544.4(NDUFA10):c.5C>G (p.Ala2Gly)

Gene: NDUFA10 (NADH:ubiquinone oxidoreductase subunit A10; minus strand). Cytogenetic location: 2q37.3.
Variant type: single nucleotide variant.
Coding change: c.5C>G on transcript NM_004544.4 (MANE Select); coding-DNA position 5, C replaced by G.
Protein change: p.Ala2Gly; replaces alanine 2 with glycine.
Molecular consequence: missense variant. On other transcripts: non-coding transcript variant (4).
Genome position (GRCh38, 1-based): chr2:240,025,297, G>C on the plus strand (C>G on the coding strand, the complement: NDUFA10 is on the minus strand). VCF-style: chr2-240025297-G-C. GRCh37 (hg19) VCF-style: chr2-240964714-G-C.
Other names: c.5C>G, p.Ala2Gly (NM_001322019.2, NM_001322020.2); short protein forms A2G.
Identifiers: ClinVar variation 290734 (VCV000290734.21), dbSNP rs11541494, ClinGen allele CA2201190.